The following is an entry in ClinVar:

NM_138693.4(KLF14):c.946_948dup (p.Ala316_Pro317insAla)

Gene: KLF14 (KLF transcription factor 14; minus strand). Cytogenetic location: 7q32.2.
Variant type: Duplication.
Coding change: c.946_948dup on transcript NM_138693.4 (MANE Select); coding-DNA positions 946 to 948, 3 bases duplicated (GCG; older notation c.946_948dupGCG).
Protein change: p.Ala316_Pro317insAla.
Genome position (GRCh38, 1-based): chr7:130,733,086-130,733,088, CGC duplicated on the plus strand (GCG on the coding strand, the reverse complement: KLF14 is on the minus strand); duplicating any 3 consecutive bases within chr7:130,733,086-130,733,090 gives the same sequence; the c. name uses the placement nearest the transcript's 3' end. VCF-style (leftmost placement, unchanged base first): chr7-130733085-G-GCGC. GRCh37 (hg19) VCF-style: chr7-130417912-G-GCGC.
Identifiers: ClinVar variation 3032009 (VCV003032009.2), dbSNP rs146271852, ClinGen allele CA4487350.

ClinVar aggregate classification (germline): Likely benign (0 of 4 stars; one submission).

Conditions:
KLF14-related disorder. Also called: KLF14-related condition.

Submission:

PreventionGenetics, part of Exact Sciences
Classification: Likely benign for KLF14-related condition. Last evaluated: 2023-06-06. Review status: no assertion criteria provided. Collection method: clinical testing. Allele origin: germline.
Comment: This variant is classified as likely benign based on ACMG/AMP sequence variant interpretation guidelines (Richards et al. 2015 PMID: 25741868, with internal and published modifications).